The following is an entry in ClinVar:

NM_000334.4(SCN4A):c.1723G>A (p.Val575Ile)

Gene: SCN4A (sodium voltage-gated channel alpha subunit 4; minus strand). Cytogenetic location: 17q23.3.
Variant type: single nucleotide variant.
Coding change: c.1723G>A on transcript NM_000334.4 (MANE Select); coding-DNA position 1723, G replaced by A.
Protein change: p.Val575Ile; replaces valine 575 with isoleucine.
Molecular consequence: missense variant.
Genome position (GRCh38, 1-based): chr17:63,961,315, C>T on the plus strand (G>A on the coding strand, the complement: SCN4A is on the minus strand). VCF-style: chr17-63961315-C-T. GRCh37 (hg19) VCF-style: chr17-62038675-C-T.
Other names: short protein forms V575I.
Identifiers: ClinVar variation 1397383 (VCV001397383.6), dbSNP rs1162227213, ClinGen allele CA400633357.
Genomic context (GRCh38, chr17:63,961,315, plus strand): 5'-TGAAGAGGGTGTTGAGCACGATGCAGATGGTGATGCCCAGGTCCACGAACGGGTCCATGA[C>T]GATCAGGTGGATGATGTTCTTGAACTTCAGCCACGGGGCGCAGCAGTTCCATATGAGCAC-3'
Protein context (NP_000325.4, residues 565-585): LKFKNIIHLI[Val575Ile]MDPFVDLGIT

ClinVar aggregate classification (germline): Uncertain significance (1 of 4 stars; one submission).

Conditions:
Hyperkalemic periodic paralysis. Also called: Familial hyperkalemic periodic paralysis; Gamstorp disease. Identifiers: Orphanet 682, MedGen C0238357, MONDO:0008224, OMIM 170500, HP:0007215.

Allele frequency attached by ClinVar (database versions not stated): gnomAD exomes below 0.00001.
gnomAD v4.1: 2 of 1,613,750 alleles (0.00012%); highest among the groups gnomAD compares: Admixed American, 0.0017%; no homozygotes.

Submission:

Labcorp Genetics (formerly Invitae), Labcorp
Classification: Uncertain significance for Hyperkalemic periodic paralysis. Last evaluated: 2021-09-19. Review status: criteria provided, single submitter. Criteria: Invitae Variant Classification Sherloc (09022015). Collection method: clinical testing. Allele origin: germline.
Comment: This sequence change replaces valine with isoleucine at codon 575 of the SCN4A protein (p.Val575Ile). The valine residue is highly conserved and there is a small physicochemical difference between valine and isoleucine. This variant is not present in population databases (ExAC no frequency). This variant has not been reported in the literature in individuals affected with SCN4A-related conditions. Algorithms developed to predict the effect of missense changes on protein structure and function are either unavailable or do not agree on the potential impact of this missense change (SIFT: "Deleterious"; PolyPhen-2: "Possibly Damaging"; Align-GVGD: "Class C0"). In summary, the available evidence is currently insufficient to determine the role of this variant in disease. Therefore, it has been classified as a Variant of Uncertain Significance.